The following is an entry in ClinVar:

ClinVar aggregate classification (germline): Conflicting classifications of pathogenicity. Review status: criteria provided, conflicting classifications (1 of 4 stars). 2 submissions from 2 submitters: Uncertain significance (1); Likely benign (1). Last evaluated 2025-08-26.

Allele frequency attached by ClinVar (database versions not stated): gnomAD exomes below 0.00001 and 0.00001; ExAC 0.00001; TOPMed 0.00001.

Submissions (2):

Labcorp Genetics (formerly Invitae), Labcorp
Classification: Uncertain significance. Last evaluated: 2025-08-26. Review status: criteria provided, single submitter. Criteria: Invitae Variant Classification Sherloc (09022015). Collection method: clinical testing. Allele origin: germline.
Comment: This sequence change replaces isoleucine, which is neutral and non-polar, with threonine, which is neutral and polar, at codon 82 of the CTNNB1 protein (p.Ile82Thr). This variant is present in population databases (rs748781625, gnomAD 0.008%). This variant has not been reported in the literature in individuals affected with CTNNB1-related conditions. ClinVar contains an entry for this variant (Variation ID: 1328568). Invitae Evidence Modeling of protein sequence and biophysical properties (such as structural, functional, and spatial information, amino acid conservation, physicochemical variation, residue mobility, and thermodynamic stability) indicates that this missense variant is not expected to disrupt CTNNB1 protein function with a negative predictive value of 80%. In summary, the available evidence is currently insufficient to determine the role of this variant in disease. Therefore, it has been classified as a Variant of Uncertain Significance.

GeneDx
Classification: Likely benign. Last evaluated: 2021-02-02. Review status: criteria provided, single submitter. Criteria: GeneDx Variant Classification Process June 2021. Collection method: clinical testing. Allele origin: germline. Affected: yes.
Comment: In silico analysis supports that this missense variant does not alter protein structure/function; Has not been previously published as pathogenic or benign to our knowledge

NM_001904.4(CTNNB1):c.245T>C (p.Ile82Thr)

Genes: CTNNB1 (catenin beta 1; plus strand), LOC126806658 (BRD4-independent group 4 enhancer GRCh37_chr3:41265899-41267098; plus strand). Cytogenetic location: 3p22.1.
Variant type: single nucleotide variant.
Coding change: c.245T>C on transcript NM_001904.4 (MANE Select); coding-DNA position 245, T replaced by C.
Protein change: p.Ile82Thr; replaces isoleucine 82 with threonine.
Molecular consequence: missense variant.
Genome position (GRCh38, 1-based): chr3:41,224,957, T>C. VCF-style: chr3-41224957-T-C. GRCh37 (hg19) VCF-style: chr3-41266448-T-C.
Other names: c.245T>C, p.Ile82Thr (NM_001098209.2, NM_001098210.2); c.224T>C, p.Ile75Thr (NM_001330729.2); short protein forms I75T, I82T.
Identifiers: ClinVar variation 1328568 (VCV001328568.6), dbSNP rs748781625, ClinGen allele CA2330890.